The following is an entry in ClinVar:

ClinVar aggregate classification (germline): Likely benign. Review status: criteria provided, multiple submitters, no conflicts (2 of 4 stars). 2 submissions from 2 submitters: Likely benign (2). Last evaluated 2025-11-25.

Conditions:
Spondylodysplastic Ehlers-Danlos syndrome. Identifiers: Orphanet 536471, Orphanet 75496, MedGen C5680154, MONDO:0007526.

Submissions (2):

Labcorp Genetics (formerly Invitae), Labcorp
Classification: Likely benign for Spondylodysplastic Ehlers-Danlos syndrome. Last evaluated: 2025-11-25. Review status: criteria provided, single submitter. Criteria: Invitae Variant Classification Sherloc (09022015). Collection method: clinical testing. Allele origin: germline.

GeneDx
Classification: Likely benign. Last evaluated: 2018-01-04. Review status: criteria provided, single submitter. Criteria: GeneDx Variant Classification (06012015). Collection method: clinical testing. Allele origin: germline. Affected: yes.
Comment: This variant is considered likely benign or benign based on one or more of the following criteria: it is a conservative change, it occurs at a poorly conserved position in the protein, it is predicted to be benign by multiple in silico algorithms, and/or has population frequency not consistent with disease.

NM_007255.3(B4GALT7):c.51-11G>A

Gene: B4GALT7 (beta-1,4-galactosyltransferase 7; plus strand). Cytogenetic location: 5q35.3.
Variant type: single nucleotide variant.
Coding change: c.51-11G>A on transcript NM_007255.3 (MANE Select); 11 bases into the intron before coding-DNA position 51, G replaced by A.
Molecular consequence: intron variant.
Genome position (GRCh38, 1-based): chr5:177,604,168, G>A. VCF-style: chr5-177604168-G-A. GRCh37 (hg19) VCF-style: chr5-177031169-G-A.
Identifiers: ClinVar variation 514457 (VCV000514457.9), dbSNP rs763444666, ClinGen allele CA3586367.
Genomic context (GRCh38, chr5:177,604,168, plus strand): 5'-GGCCAGAGAACGGGTCTGTCACAGGGCCAGCCCTGCCCCGCCCTCCTGACCCTGTCCCGC[G>A]CTTGCTCCAGGTCCGGGTTGCTCTCCGGCGGCCTCCCTCGGAAGTGTTCCGTCTTCCACC-3'